The following is an entry in ClinVar:

NM_001363.5(DKC1):c.62C>T (p.Ser21Leu)

Gene: DKC1 (dyskerin pseudouridine synthase 1; plus strand). Cytogenetic location: Xq28.
Variant type: single nucleotide variant.
Coding change: c.62C>T on transcript NM_001363.5 (MANE Select); coding-DNA position 62, C replaced by T.
Protein change: p.Ser21Leu; replaces serine 21 with leucine.
Molecular consequence: missense variant. On other transcripts: non-coding transcript variant (3).
Genome position (GRCh38, 1-based): chrX:154,764,944, C>T. VCF-style: chrX-154764944-C-T. GRCh37 (hg19) VCF-style: chrX-153993219-C-T.
Other names: c.62C>T, p.Ser21Leu (NM_001142463.3, NM_001288747.2); short protein forms S21L.
Identifiers: ClinVar variation 2069269 (VCV002069269.6), dbSNP rs782389383, ClinGen allele CA10566958.
Genomic context (GRCh38, chrX:154,764,944, plus strand): 5'-TGTTTGTTTTTTTAGTAATTATTTTGCCAAAGAAACATAAGAAGAAAAAGGAGCGGAAGT[C>T]ATTGCCAGAAGAAGATGTAGCCGTGAGTAGTAATGTGTTTGACTTCACTTTGACTAAAAA-3'
Protein context (NP_001354.1, residues 11-31): KKHKKKKERK[Ser21Leu]LPEEDVAEIQ

ClinVar aggregate classification (germline): Uncertain significance. Review status: criteria provided, multiple submitters, no conflicts (2 of 4 stars). 2 submissions from 2 submitters: Uncertain significance (2). Last evaluated 2026-07-01.

Conditions:
Dyskeratosis congenita. Identifiers: Orphanet 1775, MedGen C0265965, MONDO:0015780.

Allele frequency attached by ClinVar (database versions not stated): ExAC 0.00001; TOPMed 0.00001; gnomAD exomes 0.00005; gnomAD 0.00005.
gnomAD v4.1: 58 of 1,206,278 alleles (0.0048%); highest among the groups gnomAD compares: Non-Finnish European, 0.0064%; no homozygotes.

Submissions (2):

Ambry Genetics
Classification: Uncertain significance for Dyskeratosis congenita. Last evaluated: 2026-07-01. Review status: criteria provided, single submitter. Criteria: Ambry Variant Classification Scheme 2023. Collection method: clinical testing. Allele origin: germline.
Comment: The p.S21L variant (also known as c.62C>T), located in coding exon 2 of the DKC1 gene, results from a C to T substitution at nucleotide position 62. The serine at codon 21 is replaced by leucine, an amino acid with dissimilar properties. This amino acid position is conserved. In addition, the in silico prediction for this alteration is inconclusive. Based on the available evidence, the clinical significance of this variant remains unclear.

Labcorp Genetics (formerly Invitae), Labcorp
Classification: Uncertain significance for Dyskeratosis congenita. Last evaluated: 2026-01-18. Review status: criteria provided, single submitter. Criteria: Invitae Variant Classification Sherloc (09022015). Collection method: clinical testing. Allele origin: germline.
Comment: This sequence change replaces serine, which is neutral and polar, with leucine, which is neutral and non-polar, at codon 21 of the DKC1 protein (p.Ser21Leu). This variant is present in population databases (rs782389383, gnomAD 0.003%). This variant has not been reported in the literature in individuals affected with DKC1-related conditions. ClinVar contains an entry for this variant (Variation ID: 2069269). An algorithm developed to predict the effect of missense changes on protein structure and function (PolyPhen-2) suggests that this variant is likely to be tolerated. In summary, the available evidence is currently insufficient to determine the role of this variant in disease. Therefore, it has been classified as a Variant of Uncertain Significance.